The following is an entry in ClinVar:

NM_001267550.2(TTN):c.10958_10959del (p.Lys3653fs)

Gene: TTN (titin; minus strand). Cytogenetic location: 2q31.2.
Variant type: Deletion.
Coding change: c.10958_10959del on transcript NM_001267550.2 (MANE Select); coding-DNA positions 10958 to 10959, 2 bases deleted (AA; older notation c.10958_10959delAA).
Protein change: p.Lys3653fs; shifts the reading frame from lysine 3653.
Molecular consequence: frameshift variant. On other transcripts: intron variant (5).
Genome position (GRCh38, 1-based): chr2:178,756,517-178,756,518, TT deleted on the plus strand (AA on the coding strand, the reverse complement: TTN is on the minus strand); deleting any 2 consecutive bases within chr2:178,756,517-178,756,519 gives the same sequence; the c. name uses the placement nearest the transcript's 3' end. VCF-style (leftmost placement, unchanged base first): chr2-178756516-CTT-C. GRCh37 (hg19) VCF-style: chr2-179621243-CTT-C.
Other names: c.10957_10958delAA, p.Lys3653Argfs (NM_001267550.1); c.10445_10446del, p.Lys3482fs (NM_133437.4); c.10165+2466_10165+2467del (NM_003319.4); c.10540+1024_10540+1025del (NM_133432.3); c.10303+2466_10303+2467del (NM_133378.4, NM_001256850.1, NM_133379.5); short protein forms K3482fs, K3653fs.
Identifiers: ClinVar variation 4537852 (VCV004537852.1).

ClinVar aggregate classification (germline): Uncertain significance (1 of 4 stars; one submission).

Submission:

GeneDx
Classification: Uncertain significance. Last evaluated: 2025-06-12. Review status: criteria provided, single submitter. Criteria: GeneDx Variant Classification Process June 2021. Collection method: clinical testing. Allele origin: germline. Affected: yes.
Comment: Not observed at significant frequency in large population cohorts (gnomAD); Frameshift variant predicted to result in protein truncation or nonsense mediated decay in a gene or region of a gene for which loss of function is not a well-established mechanism of disease; Has not been previously published as pathogenic or benign to our knowledge